The following is an entry in ClinVar:

ClinVar aggregate classification (germline): Benign. Review status: criteria provided, multiple submitters, no conflicts (2 of 4 stars). 7 submissions from 7 submitters: Benign (7). Last evaluated 2026-02-04.

Conditions:
Trichohepatoenteric syndrome 2 (THES2). Identifiers: Orphanet 84064, MedGen C3281289, MONDO:0013818, OMIM 614602.

Allele frequency attached by ClinVar (database versions not stated): gnomAD exomes 0.71345 and 0.76287; ExAC 0.76995; ESP Exome Variant Server 0.77395; gnomAD 0.77931 and 0.77936; TOPMed 0.78681; 1000 Genomes Project 0.81669; 1000 Genomes Project 30x 0.81980.
gnomAD v4.1: 1,162,441 of 1,613,104 alleles (72%); highest among the groups gnomAD compares: African/African-American, 91%; 424,748 homozygotes.

Submissions (7):

Labcorp Genetics (formerly Invitae), Labcorp
Classification: Benign. Last evaluated: 2026-02-04. Review status: criteria provided, single submitter. Criteria: Invitae Variant Classification Sherloc (09022015). Collection method: clinical testing. Allele origin: germline.

Women's Health and Genetics/Laboratory Corporation of America, LabCorp
Classification: Benign. Last evaluated: 2021-12-03. Review status: criteria provided, single submitter. Criteria: LabCorp Variant Classification Summary - May 2015. Collection method: clinical testing. Allele origin: germline.

Genome-Nilou Lab
Classification: Benign for Trichohepatoenteric syndrome 2. Last evaluated: 2021-07-15. Review status: criteria provided, single submitter. Criteria: ACMG Guidelines, 2015. Collection method: clinical testing. Allele origin: germline. Affected: no.

Mayo Clinic Laboratories, Mayo Clinic
Classification: Benign. Last evaluated: 2019-02-26. Review status: criteria provided, single submitter. Criteria: ACMG Guidelines, 2015. Collection method: clinical testing. Allele origin: germline. Observed: 721 variant alleles.

GeneDx
Classification: Benign. Last evaluated: 2018-11-12. Review status: criteria provided, single submitter. Criteria: GeneDx Variant Classification Process June 2021. Collection method: clinical testing. Allele origin: germline. Affected: yes.
Comment: This variant is associated with the following publications: (PMID: 28173125)

Illumina Laboratory Services, Illumina
Classification: Benign for Trichohepatoenteric syndrome 2. Last evaluated: 2018-01-13. Review status: criteria provided, single submitter. Criteria: ICSL Variant Classification Criteria 13 December 2019. Collection method: clinical testing. Allele origin: germline.
Comment: This variant was observed in the ICSL laboratory as part of a predisposition screen in an ostensibly healthy population. It had not been previously curated by ICSL or reported in the Human Gene Mutation Database (HGMD: prior to June 1st, 2018), and was therefore a candidate for classification through an automated scoring system. Utilizing variant allele frequency, disease prevalence and penetrance estimates, and inheritance mode, an automated score was calculated to assess if this variant is too frequent to cause the disease. Based on the score and internal cut-off values, a variant classified as benign is not then subjected to further curation. The score for this variant resulted in a classification of benign for this disease.

Laboratory for Molecular Medicine, Mass General Brigham Personalized Medicine
Classification: Benign. Last evaluated: 2016-03-29. Review status: criteria provided, single submitter. Criteria: LMM Criteria. Collection method: clinical testing. Allele origin: germline.
Comment: Variant identified in a genome or exome case(s) and assessed due to predicted null impact of the variant or pathogenic assertions in the literature or databases. Disclaimer: This variant has not undergone full assessment. The following are preliminary notes: Frequency

NM_006929.5(SKIC2):c.640A>C (p.Met214Leu)

Gene: SKIC2 (SKI2 subunit of superkiller complex; plus strand). Cytogenetic location: 6p21.33.
Variant type: single nucleotide variant.
Coding change: c.640A>C on transcript NM_006929.5 (MANE Select); coding-DNA position 640, A replaced by C.
Protein change: p.Met214Leu; replaces methionine 214 with leucine.
Molecular consequence: missense variant.
Genome position (GRCh38, 1-based): chr6:31,961,237, A>C. VCF-style: chr6-31961237-A-C. GRCh37 (hg19) VCF-style: chr6-31929014-A-C.
Other names: short protein forms M214L.
Identifiers: ClinVar variation 356318 (VCV000356318.21), dbSNP rs437179, ClinGen allele CA3729231.
Genomic context (GRCh38, chr6:31,961,237, plus strand): 5'-TTGTTGGCTTGCTCCTCAGATTGTCCAACTCCAGCTCCTGGACTACTAAGCCTTAGCTGT[A>C]TGTTGGAGCCTCTGGATTTGGGTGGGGGTGACGAGGATGAGAATGAGGCAGTGGGACAGC-3'
Protein context (NP_008860.4, residues 204-224): PAPGLLSLSC[Met214Leu]LEPLDLGGGD